The following is an entry in ClinVar:

ClinVar aggregate classification (germline): Uncertain significance (1 of 4 stars; one submission).

Allele frequency attached by ClinVar (database versions not stated): gnomAD exomes 0.00001; TOPMed below 0.00001; gnomAD 0.00001.
gnomAD v4.1: 6 of 1,613,190 alleles (0.00037%); highest among the groups gnomAD compares: Non-Finnish European, 0.00051%; no homozygotes.

Submission:

Labcorp Genetics (formerly Invitae), Labcorp
Classification: Uncertain significance. Last evaluated: 2025-10-01. Review status: criteria provided, single submitter. Criteria: Invitae Variant Classification Sherloc (09022015). Collection method: clinical testing. Allele origin: germline.
Comment: This sequence change replaces glutamine, which is neutral and polar, with histidine, which is basic and polar, at codon 77 of the SLC10A7 protein (p.Gln77His). This variant is not present in population databases (gnomAD no frequency). This variant has not been reported in the literature in individuals affected with SLC10A7-related conditions. ClinVar contains an entry for this variant (Variation ID: 2792790). An algorithm developed to predict the effect of missense changes on protein structure and function (PolyPhen-2) suggests that this variant is likely to be disruptive. In summary, the available evidence is currently insufficient to determine the role of this variant in disease. Therefore, it has been classified as a Variant of Uncertain Significance.

NM_001029998.6(SLC10A7):c.231G>T (p.Gln77His)

Gene: SLC10A7 (solute carrier family 10 member 7; minus strand). Cytogenetic location: 4q31.22.
Variant type: single nucleotide variant.
Coding change: c.231G>T on transcript NM_001029998.6 (MANE Select); coding-DNA position 231, G replaced by T.
Protein change: p.Gln77His; replaces glutamine 77 with histidine.
Molecular consequence: missense variant. On other transcripts: non-coding transcript variant (1), intron variant (1).
Genome position (GRCh38, 1-based): chr4:146,510,002, C>A on the plus strand (G>T on the coding strand, the complement: SLC10A7 is on the minus strand). VCF-style: chr4-146510002-C-A. GRCh37 (hg19) VCF-style: chr4-147431154-C-A.
Other names: c.231G>T, p.Gln77His (NM_001300842.3, NM_001317816.2, NM_032128.5); c.184-6078G>T (NM_001317817.2); short protein forms Q77H.
Identifiers: ClinVar variation 2792790 (VCV002792790.3), dbSNP rs1476606807, ClinGen allele CA358413281.
Genomic context (GRCh38, chr4:146,510,002, plus strand): 5'-GATTGATAAAAGCTGAAGAAAAAGCCATATTGTTGCTGGGAAGAATGCAAGAGTAAAGAT[C>A]TGAATAAAAAGATGCAGTTTTAGATGCACCAAAGCACTGGTCAGCTCCTGGAAAAATTAA-3'
Protein context (NP_001025169.1, residues 67-87): LVHLKLHLFI[Gln77His]IFTLAFFPAT